The following is an entry in ClinVar:

NM_005475.3(SH2B3):c.566G>A (p.Arg189Gln)

Gene: SH2B3 (SH2B adaptor protein 3; plus strand). Cytogenetic location: 12q24.12.
Variant type: single nucleotide variant.
Coding change: c.566G>A on transcript NM_005475.3 (MANE Select); coding-DNA position 566, G replaced by A.
Protein change: p.Arg189Gln; replaces arginine 189 with glutamine.
Molecular consequence: missense variant.
Genome position (GRCh38, 1-based): chr12:111,418,711, G>A. VCF-style: chr12-111418711-G-A. GRCh37 (hg19) VCF-style: chr12-111856515-G-A.
Other names: short protein forms R189Q.
Identifiers: ClinVar variation 3795079 (VCV003795079.1).

ClinVar aggregate classification (germline): Uncertain significance (1 of 4 stars; one submission).

Conditions:
Inborn genetic diseases. Identifiers: MedGen C0950123, MeSH D030342.

Submission:

Ambry Genetics
Classification: Uncertain significance for Inborn genetic diseases. Last evaluated: 2025-01-05. Review status: criteria provided, single submitter. Criteria: Ambry Variant Classification Scheme 2023. Collection method: clinical testing. Allele origin: germline.
Comment: The p.R189Q variant (also known as c.566G>A), located in coding exon 1 of the SH2B3 gene, results from a G to A substitution at nucleotide position 566. The arginine at codon 189 is replaced by glutamine, an amino acid with highly similar properties. This amino acid position is conserved. In addition, this alteration is predicted to be tolerated by in silico analysis. Based on the available evidence, the clinical significance of this variant remains unclear.